The following is an entry in ClinVar:

NM_001267550.2(TTN):c.104405A>T (p.Lys34802Ile)

Genes: TTN-AS1 (TTN antisense RNA 1; plus strand), TTN (titin; minus strand). Cytogenetic location: 2q31.2.
Variant type: single nucleotide variant.
Coding change: c.104405A>T on transcript NM_001267550.2 (MANE Select); coding-DNA position 104405, A replaced by T.
Protein change: p.Lys34802Ile; replaces lysine 34802 with isoleucine.
Molecular consequence: missense variant.
Genome position (GRCh38, 1-based): chr2:178,532,210, T>A on the plus strand (A>T on the coding strand, the complement: TTN is on the minus strand). VCF-style: chr2-178532210-T-A. GRCh37 (hg19) VCF-style: chr2-179396937-T-A.
Other names: c.99482A>T, p.Lys33161Ile (NM_001256850.1); c.77210A>T, p.Lys25737Ile (NM_003319.4); c.96701A>T, p.Lys32234Ile (NM_133378.4); c.77585A>T, p.Lys25862Ile (NM_133432.3); c.77786A>T, p.Lys25929Ile (NM_133437.4); short protein forms K25737I, K32234I, K33161I, K25929I, K34802I, K25862I.
Identifiers: ClinVar variation 857982 (VCV000857982.8), dbSNP rs1689437836, ClinGen allele CA349411801.

ClinVar aggregate classification (germline): Uncertain significance (1 of 4 stars; one submission).

Conditions:
Dilated cardiomyopathy 1G (CMD1G). Identifiers: Orphanet 154, MedGen C1858763, MONDO:0011400, OMIM 604145.
Autosomal recessive limb-girdle muscular dystrophy type 2J (LGMDR10). Also called: Limb-girdle muscular dystrophy, type 2J; MUSCULAR DYSTROPHY, LIMB-GIRDLE, AUTOSOMAL RECESSIVE 10. Identifiers: Orphanet 140922, MedGen C1837342, MONDO:0012127, OMIM 608807.

Submission:

Labcorp Genetics (formerly Invitae), Labcorp
Classification: Uncertain significance for Dilated cardiomyopathy 1G; Autosomal recessive limb-girdle muscular dystrophy type 2J. Last evaluated: 2019-12-17. Review status: criteria provided, single submitter. Criteria: Invitae Variant Classification Sherloc (09022015). Collection method: clinical testing. Allele origin: germline.
Comment: Algorithms developed to predict the effect of missense changes on protein structure and function are unavailable for the TTN gene. This variant is located in the M band of TTN (PMID: 25589632). Variants in this region may be relevant for neuromuscular disorders, but have not been definitively shown to cause cardiomyopathy (PMID: 23975875). This sequence change replaces lysine with isoleucine at codon 34802 of the TTN protein (p.Lys34802Ile). There is a moderate physicochemical difference between lysine and isoleucine. This variant is not present in population databases (ExAC no frequency). This variant has not been reported in the literature in individuals with TTN-related conditions. In summary, the available evidence is currently insufficient to determine the role of this variant in disease. Therefore, it has been classified as a Variant of Uncertain Significance.

Literature cited by the submitters: PubMed 25589632; PubMed 23975875.